The following is an entry in ClinVar:

ClinVar aggregate classification (germline): Likely benign (1 of 4 stars; one submission).

Allele frequency attached by ClinVar (database versions not stated): ExAC below 0.00001; gnomAD exomes 0.00018 and 0.00038; gnomAD 0.00021 and 0.00024; TOPMed 0.00024; ESP Exome Variant Server 0.00043.

Submission:

GeneDx
Classification: Likely benign. Last evaluated: 2018-01-22. Review status: criteria provided, single submitter. Criteria: GeneDx Variant Classification (06012015). Collection method: clinical testing. Allele origin: germline. Affected: yes.
Comment: This variant is considered likely benign or benign based on one or more of the following criteria: it is a conservative change, it occurs at a poorly conserved position in the protein, it is predicted to be benign by multiple in silico algorithms, and/or has population frequency not consistent with disease.

NM_002949.4(MRPL12):c.-46C>T

Gene: MRPL12 (mitochondrial ribosomal protein L12; plus strand). Cytogenetic location: 17q25.3.
Variant type: single nucleotide variant.
Coding change: c.-46C>T on transcript NM_002949.4 (MANE Select); 46 bases upstream of the start codon, C replaced by T.
Molecular consequence: 5 prime UTR variant.
Genome position (GRCh38, 1-based): chr17:81,703,456, C>T. VCF-style: chr17-81703456-C-T. GRCh37 (hg19) VCF-style: chr17-79670486-C-T.
Identifiers: ClinVar variation 385422 (VCV000385422.1), dbSNP rs373040169, ClinGen allele CA8841212.
Genomic context (GRCh38, chr17:81,703,456, plus strand): 5'-GTGGCGGCTAGAGCGTTCCTCCCCAGCTCGAATGCCCGGCGGCCGAGGCGGCTAGAGCGT[C>T]GCCTCCTCCCGGGGAACCGCGTGTGACCTTCCAGCCCGCGGACCGATGCTGCCGGCGGCC-3'